The following is an entry in ClinVar:

ClinVar aggregate classification (germline): Likely pathogenic (0 of 4 stars; one submission).

Conditions:
AVPR2-related disorder. Also called: AVPR2-related condition.

Submission:

PreventionGenetics, part of Exact Sciences
Classification: Likely pathogenic for AVPR2-related condition. Last evaluated: 2024-04-13. Review status: no assertion criteria provided. Collection method: clinical testing. Allele origin: germline.
Comment: The AVPR2 c.460dupG variant is predicted to result in a frameshift and premature protein termination (p.Ala154Glyfs*38). To our knowledge, this variant has not been reported in the literature or in a large population database, indicating this variant is rare. Frameshift variants in AVPR2 are expected to be pathogenic. This variant is interpreted as likely pathogenic.

NM_000054.7(AVPR2):c.460dup (p.Ala154fs)

Gene: AVPR2 (arginine vasopressin receptor 2; plus strand). Cytogenetic location: Xq28.
Variant type: Duplication.
Coding change: c.460dup on transcript NM_000054.7 (MANE Select); coding-DNA position 460, one base duplicated (G; older notation c.460dupG).
Protein change: p.Ala154fs; shifts the reading frame from alanine 154.
Molecular consequence: frameshift variant.
Genome position (GRCh38, 1-based): chrX:153,905,966, G duplicated; the last of 4 consecutive G bases (chrX:153,905,963-153,905,966); duplicating any one gives the same sequence. VCF-style (leftmost placement, unchanged base first): chrX-153905962-T-TG. GRCh37 (hg19) VCF-style: chrX-153171416-T-TG.
Other names: c.460dup, p.Ala154fs (NM_001146151.3); short protein forms A154fs.
Identifiers: ClinVar variation 3345859 (VCV003345859.1).